The following is an entry in ClinVar:

ClinVar aggregate classification (germline): Uncertain significance. Review status: criteria provided, multiple submitters, no conflicts (2 of 4 stars). 3 submissions from 3 submitters: Uncertain significance (3). Last evaluated 2026-05-26.

Conditions:
Cardiovascular phenotype. Identifiers: MedGen CN230736.
Hypertrophic cardiomyopathy 20. Identifiers: MedGen C3151267, MONDO:0013477, OMIM 613876.
Dilated cardiomyopathy 1CC (CMD1CC). Identifiers: Orphanet 154, MedGen C2751084, MONDO:0013147, OMIM 613122.

gnomAD v4.1: 8 of 1,613,872 alleles (0.0005%); highest among the groups gnomAD compares: Non-Finnish European, 0.00059%; no homozygotes.

Submissions (3):

Women's Health and Genetics/Laboratory Corporation of America, LabCorp
Classification: Uncertain significance. Last evaluated: 2026-05-26. Review status: criteria provided, single submitter. Criteria: LabCorp Variant Classification Summary - May 2015. Collection method: clinical testing. Allele origin: germline.
Comment: Variant summary: NEXN c.1789G>A (p.Glu597Lys) results in a conservative amino acid change in the encoded protein sequence. Algorithms developed to predict the effect of missense changes on protein structure and function are either unavailable or do not agree on the potential impact of this missense change. The variant allele was found at a frequency of 4e-06 in 249100 control chromosomes. The available data on variant occurrences in the general population are insufficient to allow any conclusion about variant significance. c.1789G>A has been observed in at least one individual affected with an NEXN-related condition (Seidel_2021). This report does not provide unequivocal conclusions about association of the variant with disease. To our knowledge, no experimental evidence demonstrating an impact on protein function has been reported. The following publication have been ascertained in the context of this evaluation (PMID: 34213952). ClinVar contains an entry for this variant (Variation ID: 1780153). Based on the evidence outlined above, the variant was classified as uncertain significance.

Labcorp Genetics (formerly Invitae), Labcorp
Classification: Uncertain significance for Dilated cardiomyopathy 1CC; Hypertrophic cardiomyopathy 20. Last evaluated: 2022-08-08. Review status: criteria provided, single submitter. Criteria: Invitae Variant Classification Sherloc (09022015). Collection method: clinical testing. Allele origin: germline.
Comment: In summary, the available evidence is currently insufficient to determine the role of this variant in disease. Therefore, it has been classified as a Variant of Uncertain Significance. Algorithms developed to predict the effect of missense changes on protein structure and function are either unavailable or do not agree on the potential impact of this missense change (SIFT: "Deleterious"; PolyPhen-2: "Probably Damaging"; Align-GVGD: "Class C0"). This variant has not been reported in the literature in individuals affected with NEXN-related conditions. This variant is present in population databases (rs771979669, gnomAD 0.0009%). This sequence change replaces glutamic acid, which is acidic and polar, with lysine, which is basic and polar, at codon 597 of the NEXN protein (p.Glu597Lys).

Ambry Genetics
Classification: Uncertain significance for Cardiovascular phenotype. Last evaluated: 2022-05-27. Review status: criteria provided, single submitter. Criteria: Ambry Variant Classification Scheme 2023. Collection method: clinical testing. Allele origin: germline.
Comment: The p.E597K variant (also known as c.1789G>A), located in coding exon 12 of the NEXN gene, results from a G to A substitution at nucleotide position 1789. The glutamic acid at codon 597 is replaced by lysine, an amino acid with similar properties. This amino acid position is conserved. In addition, the in silico prediction for this alteration is inconclusive. Since supporting evidence is limited at this time, the clinical significance of this alteration remains unclear.

Literature cited by the submitters: PubMed 34213952 (cited by Women's Health and Genetics/Laboratory Corporation of America, LabCorp).

NM_144573.4(NEXN):c.1789G>A (p.Glu597Lys)

Gene: NEXN (nexilin F-actin binding protein; plus strand). Cytogenetic location: 1p31.1.
Variant type: single nucleotide variant.
Coding change: c.1789G>A on transcript NM_144573.4 (MANE Select); coding-DNA position 1789, G replaced by A.
Protein change: p.Glu597Lys; replaces glutamic acid 597 with lysine.
Molecular consequence: missense variant.
Genome position (GRCh38, 1-based): chr1:77,942,590, G>A. VCF-style: chr1-77942590-G-A. GRCh37 (hg19) VCF-style: chr1-78408275-G-A.
Other names: c.1597G>A, p.Glu533Lys (NM_001172309.2); short protein forms E533K, E597K.
Identifiers: ClinVar variation 1780153 (VCV001780153.8), dbSNP rs771979669, ClinGen allele CA24691758.